The following is an entry in ClinVar:

ClinVar aggregate classification (germline): Uncertain significance (1 of 4 stars; one submission).

Conditions:
Hereditary cancer-predisposing syndrome. Also called: Neoplastic Syndromes, Hereditary; Hereditary Cancer Syndrome; Tumor predisposition; Hereditary neoplastic syndrome. Identifiers: Orphanet 140162, MedGen C0027672, MeSH D009386, MONDO:0015356.

Submission:

Ambry Genetics
Classification: Uncertain significance for Hereditary cancer-predisposing syndrome. Last evaluated: 2024-12-21. Review status: criteria provided, single submitter. Criteria: Ambry Variant Classification Scheme 2023. Collection method: clinical testing. Allele origin: germline.
Comment: The p.L362R variant (also known as c.1085T>G), located in coding exon 11 of the RB1 gene, results from a T to G substitution at nucleotide position 1085. The leucine at codon 362 is replaced by arginine, an amino acid with dissimilar properties. This amino acid position is conserved. In addition, this alteration is predicted to be tolerated by in silico analysis. Based on the available evidence, the clinical significance of this variant remains unclear.

NM_000321.3(RB1):c.1085T>G (p.Leu362Arg)

Gene: RB1 (RB transcriptional corepressor 1; plus strand). Cytogenetic location: 13q14.2.
Variant type: single nucleotide variant.
Coding change: c.1085T>G on transcript NM_000321.3 (MANE Select); coding-DNA position 1085, T replaced by G.
Protein change: p.Leu362Arg; replaces leucine 362 with arginine.
Molecular consequence: missense variant.
Genome position (GRCh38, 1-based): chr13:48,368,562, T>G. VCF-style: chr13-48368562-T-G. GRCh37 (hg19) VCF-style: chr13-48942698-T-G.
Other names: c.1085T>G, p.Leu362Arg (NM_001407165.1, NM_001407166.1); short protein forms L362R.
Identifiers: ClinVar variation 3787274 (VCV003787274.1).